The following is an entry in ClinVar:

ClinVar aggregate classification (germline): Uncertain significance. Review status: criteria provided, multiple submitters, no conflicts (2 of 4 stars). 2 submissions from 2 submitters: Uncertain significance (2). Last evaluated 2024-01-03.

Conditions:
Renal cell carcinoma. Identifiers: Orphanet 217071, MedGen C0007134, MeSH D002292, MONDO:0005086, HP:0005584.

Allele frequency attached by ClinVar (database versions not stated): TOPMed below 0.00001.

Submissions (2):

Labcorp Genetics (formerly Invitae), Labcorp
Classification: Uncertain significance for Renal cell carcinoma. Last evaluated: 2024-01-03. Review status: criteria provided, single submitter. Criteria: Invitae Variant Classification Sherloc (09022015). Collection method: clinical testing. Allele origin: germline.
Comment: This sequence change replaces valine, which is neutral and non-polar, with isoleucine, which is neutral and non-polar, at codon 121 of the MET protein (p.Val121Ile). This variant is not present in population databases (gnomAD no frequency). This variant has not been reported in the literature in individuals affected with MET-related conditions. ClinVar contains an entry for this variant (Variation ID: 2504797). Advanced modeling of protein sequence and biophysical properties (such as structural, functional, and spatial information, amino acid conservation, physicochemical variation, residue mobility, and thermodynamic stability) performed at Invitae indicates that this missense variant is not expected to disrupt MET protein function with a negative predictive value of 80%. In summary, the available evidence is currently insufficient to determine the role of this variant in disease. Therefore, it has been classified as a Variant of Uncertain Significance.

GeneDx
Classification: Uncertain significance. Last evaluated: 2022-12-09. Review status: criteria provided, single submitter. Criteria: GeneDx Variant Classification Process June 2021. Collection method: clinical testing. Allele origin: germline. Affected: yes.
Comment: Not observed at significant frequency in large population cohorts (gnomAD); In silico analysis supports that this missense variant does not alter protein structure/function; Has not been previously published as pathogenic or benign to our knowledge

NM_000245.4(MET):c.361G>A (p.Val121Ile)

Gene: MET (MET proto-oncogene, receptor tyrosine kinase; plus strand). Cytogenetic location: 7q31.2.
Variant type: single nucleotide variant.
Coding change: c.361G>A on transcript NM_000245.4 (MANE Select); coding-DNA position 361, G replaced by A.
Protein change: p.Val121Ile; replaces valine 121 with isoleucine.
Molecular consequence: missense variant. On other transcripts: intron variant (1).
Genome position (GRCh38, 1-based): chr7:116,699,445, G>A. VCF-style: chr7-116699445-G-A. GRCh37 (hg19) VCF-style: chr7-116339499-G-A.
Other names: c.361G>A, p.Val121Ile (NM_001127500.3, NM_001324401.3); c.-91+26868G>A (NM_001324402.2); short protein forms V121I.
Identifiers: ClinVar variation 2504797 (VCV002504797.4), dbSNP rs1357453854, ClinGen allele CA368968906.
Genomic context (GRCh38, chr7:116,699,445, plus strand): 5'-TGCAGCAGCAAAGCCAATTTATCAGGAGGTGTTTGGAAAGATAACATCAACATGGCTCTA[G>A]TTGTCGACACCTACTATGATGATCAACTCATTAGCTGTGGCAGCGTCAACAGAGGGACCT-3'
Protein context (NP_000236.2, residues 111-131): VWKDNINMAL[Val121Ile]VDTYYDDQLI